The following is an entry in ClinVar:

ClinVar aggregate classification (germline): Uncertain significance (1 of 4 stars; one submission).

Allele frequency attached by ClinVar (database versions not stated): gnomAD exomes below 0.00001; gnomAD 0.00001.
gnomAD v4.1: 7 of 1,607,538 alleles (0.00044%); highest among the groups gnomAD compares: Non-Finnish European, 0.00059%; no homozygotes.

Submission:

Labcorp Genetics (formerly Invitae), Labcorp
Classification: Uncertain significance. Last evaluated: 2022-07-19. Review status: criteria provided, single submitter. Criteria: Invitae Variant Classification Sherloc (09022015). Collection method: clinical testing. Allele origin: germline.
Comment: In summary, the available evidence is currently insufficient to determine the role of this variant in disease. Therefore, it has been classified as a Variant of Uncertain Significance. Algorithms developed to predict the effect of missense changes on protein structure and function (SIFT, PolyPhen-2, Align-GVGD) all suggest that this variant is likely to be tolerated. ClinVar contains an entry for this variant (Variation ID: 1377868). This variant has not been reported in the literature in individuals affected with REPS1-related conditions. This variant is not present in population databases (gnomAD no frequency). This sequence change replaces valine, which is neutral and non-polar, with leucine, which is neutral and non-polar, at codon 164 of the REPS1 protein (p.Val164Leu).

NM_001286611.2(REPS1):c.490G>T (p.Val164Leu)

Gene: REPS1 (RALBP1 associated Eps domain containing 1; minus strand). Cytogenetic location: 6q24.1.
Variant type: single nucleotide variant.
Coding change: c.490G>T on transcript NM_001286611.2 (MANE Select); coding-DNA position 490, G replaced by T.
Protein change: p.Val164Leu; replaces valine 164 with leucine.
Molecular consequence: missense variant.
Genome position (GRCh38, 1-based): chr6:138,945,357, C>A on the plus strand (G>T on the coding strand, the complement: REPS1 is on the minus strand). VCF-style: chr6-138945357-C-A. GRCh37 (hg19) VCF-style: chr6-139266494-C-A.
Other names: c.490G>T, p.Val164Leu (NM_001128617.3, NM_001286612.2, NM_031922.5); short protein forms V164L.
Identifiers: ClinVar variation 1377868 (VCV001377868.6), dbSNP rs1562542095, ClinGen allele CA365815005.